The following is an entry in ClinVar:

ClinVar aggregate classification (germline): Uncertain significance (1 of 4 stars; one submission).

gnomAD v4.1: 1 of 1,553,390 alleles (0.000064%); highest among the groups gnomAD compares: East Asian, 0.0024%; no homozygotes.

Submission:

GeneDx
Classification: Uncertain significance. Last evaluated: 2026-03-30. Review status: criteria provided, single submitter. Criteria: GeneDx Variant Classification Process June 2021. Collection method: clinical testing. Allele origin: germline.
Comment: Not observed at significant frequency in large population cohorts (gnomAD); In silico analysis supports that this missense variant has a deleterious effect on protein structure/function; Has not been previously published as pathogenic or benign to our knowledge

NM_006017.3(PROM1):c.2465T>C (p.Met822Thr)

Gene: PROM1 (prominin 1; minus strand). Cytogenetic location: 4p15.32.
Variant type: single nucleotide variant.
Coding change: c.2465T>C on transcript NM_006017.3 (MANE Select); coding-DNA position 2465, T replaced by C.
Protein change: p.Met822Thr; replaces methionine 822 with threonine.
Molecular consequence: missense variant. On other transcripts: non-coding transcript variant (2).
Genome position (GRCh38, 1-based): chr4:15,980,446, A>G on the plus strand (T>C on the coding strand, the complement: PROM1 is on the minus strand). VCF-style: chr4-15980446-A-G. GRCh37 (hg19) VCF-style: chr4-15982069-A-G.
Other names: c.2438T>C, p.Met813Thr (NM_001145847.2, NM_001145848.2, NM_001145851.2 and 4 more transcripts); c.2465T>C, p.Met822Thr (NM_001145849.2, NM_001145850.2); c.2435T>C, p.Met812Thr (NM_001441173.1); c.2354T>C, p.Met785Thr (NM_001441174.1); c.2345T>C, p.Met782Thr (NM_001441175.1, NM_001441176.1); c.2333T>C, p.Met778Thr (NM_001441177.1); c.2273T>C, p.Met758Thr (NM_001441178.1); c.2099T>C, p.Met700Thr (NM_001441179.1); short protein forms M700T, M758T, M778T, M782T, M785T, M812T, M813T, M822T.
Identifiers: ClinVar variation 5017811 (VCV005017811.1).